The following is an entry in ClinVar:

ClinVar aggregate classification (germline): Uncertain significance. Review status: criteria provided, multiple submitters, no conflicts (2 of 4 stars). 2 submissions from 2 submitters: Uncertain significance (2). Last evaluated 2024-04-16.

Conditions:
Familial hypokalemia-hypomagnesemia (GTLMNS). Also called: HYPOMAGNESEMIA-HYPOKALEMIA, PRIMARY RENOTUBULAR, WITH HYPOCALCIURIA; POTASSIUM AND MAGNESIUM DEPLETION; gitelman syndrome. Identifiers: Orphanet 358, MedGen C0268450, MONDO:0009904, OMIM 263800.

Submissions (2):

Fulgent Genetics
Classification: Uncertain significance for Familial hypokalemia-hypomagnesemia. Last evaluated: 2024-04-16. Review status: criteria provided, single submitter. Criteria: ACMG Guidelines, 2015. Collection method: clinical testing. Allele origin: germline.

Labcorp Genetics (formerly Invitae), Labcorp
Classification: Uncertain significance. Last evaluated: 2022-11-01. Review status: criteria provided, single submitter. Criteria: Invitae Variant Classification Sherloc (09022015). Collection method: clinical testing. Allele origin: germline.
Comment: This sequence change replaces threonine, which is neutral and polar, with serine, which is neutral and polar, at codon 553 of the SLC12A3 protein (p.Thr553Ser). In summary, the available evidence is currently insufficient to determine the role of this variant in disease. Therefore, it has been classified as a Variant of Uncertain Significance. Advanced modeling of protein sequence and biophysical properties (such as structural, functional, and spatial information, amino acid conservation, physicochemical variation, residue mobility, and thermodynamic stability) has been performed at Invitae for this missense variant, however the output from this modeling did not meet the statistical confidence thresholds required to predict the impact of this variant on SLC12A3 protein function. ClinVar contains an entry for this variant (Variation ID: 1486317). This variant has not been reported in the literature in individuals affected with SLC12A3-related conditions. This variant is not present in population databases (gnomAD no frequency).

NM_001126108.2(SLC12A3):c.1658C>G (p.Thr553Ser)

Gene: SLC12A3 (solute carrier family 12 member 3; plus strand). Cytogenetic location: 16q13.
Variant type: single nucleotide variant.
Coding change: c.1658C>G on transcript NM_001126108.2 (MANE Select); coding-DNA position 1658, C replaced by G.
Protein change: p.Thr553Ser; replaces threonine 553 with serine.
Molecular consequence: missense variant.
Genome position (GRCh38, 1-based): chr16:56,882,486, C>G. VCF-style: chr16-56882486-C-G. GRCh37 (hg19) VCF-style: chr16-56916398-C-G.
Other names: c.1658C>G, p.Thr553Ser (NM_000339.3); c.1655C>G, p.Thr552Ser (NM_001126107.2); short protein forms T552S, T553S.
Identifiers: ClinVar variation 1486317 (VCV001486317.7), dbSNP rs761816117, ClinGen allele CA395989404.